The following is an entry in ClinVar:

ClinVar aggregate classification (germline): Uncertain significance (1 of 4 stars; one submission).

Allele frequency attached by ClinVar (database versions not stated): ExAC 0.00001.

Submission:

Labcorp Genetics (formerly Invitae), Labcorp
Classification: Uncertain significance. Last evaluated: 2024-01-15. Review status: criteria provided, single submitter. Criteria: Invitae Variant Classification Sherloc (09022015). Collection method: clinical testing. Allele origin: germline.
Comment: This sequence change replaces proline, which is neutral and non-polar, with histidine, which is basic and polar, at codon 576 of the DCHS1 protein (p.Pro576His). This variant is present in population databases (rs772395404, gnomAD 0.01%). This variant has not been reported in the literature in individuals affected with DCHS1-related conditions. Advanced modeling of protein sequence and biophysical properties (such as structural, functional, and spatial information, amino acid conservation, physicochemical variation, residue mobility, and thermodynamic stability) has been performed at Invitae for this missense variant, however the output from this modeling did not meet the statistical confidence thresholds required to predict the impact of this variant on DCHS1 protein function. In summary, the available evidence is currently insufficient to determine the role of this variant in disease. Therefore, it has been classified as a Variant of Uncertain Significance.

NM_003737.4(DCHS1):c.1727C>A (p.Pro576His)

Gene: DCHS1 (dachsous cadherin-related 1; minus strand). Cytogenetic location: 11p15.4.
Variant type: single nucleotide variant.
Coding change: c.1727C>A on transcript NM_003737.4 (MANE Select); coding-DNA position 1727, C replaced by A.
Protein change: p.Pro576His; replaces proline 576 with histidine.
Molecular consequence: missense variant.
Genome position (GRCh38, 1-based): chr11:6,639,887, G>T on the plus strand (C>A on the coding strand, the complement: DCHS1 is on the minus strand). VCF-style: chr11-6639887-G-T. GRCh37 (hg19) VCF-style: chr11-6661118-G-T.
Other names: short protein forms P576H.
Identifiers: ClinVar variation 2794881 (VCV002794881.3), dbSNP rs772395404, ClinGen allele CA5860909.